The following is an entry in ClinVar:

ClinVar aggregate classification (germline): Uncertain significance (1 of 4 stars; one submission).

Conditions:
Hermansky-Pudlak syndrome 2 (HPS2). Also called: Platelet defects and oculocutaneous albinism. Identifiers: Orphanet 183678, Orphanet 79430, MedGen C1842362, MONDO:0011997, OMIM 608233.

Allele frequency attached by ClinVar (database versions not stated): gnomAD 0.00001; gnomAD exomes 0.00003 and 0.00005; ExAC 0.00008.
gnomAD v4.1: 39 of 1,613,338 alleles (0.0024%); highest among the groups gnomAD compares: South Asian, 0.042%; no homozygotes.

Submission:

Labcorp Genetics (formerly Invitae), Labcorp
Classification: Uncertain significance for Hermansky-Pudlak syndrome 2. Last evaluated: 2025-09-24. Review status: criteria provided, single submitter. Criteria: Invitae Variant Classification Sherloc (09022015). Collection method: clinical testing. Allele origin: germline.
Comment: This sequence change replaces tyrosine, which is neutral and polar, with histidine, which is basic and polar, at codon 178 of the AP3B1 protein (p.Tyr178His). This variant is present in population databases (rs777268122, gnomAD 0.04%). This variant has not been reported in the literature in individuals affected with AP3B1-related conditions. ClinVar contains an entry for this variant (Variation ID: 1440726). An algorithm developed to predict the effect of missense changes on protein structure and function (PolyPhen-2) suggests that this variant is likely to be tolerated. In summary, the available evidence is currently insufficient to determine the role of this variant in disease. Therefore, it has been classified as a Variant of Uncertain Significance.

NM_003664.5(AP3B1):c.532T>C (p.Tyr178His)

Gene: AP3B1 (adaptor related protein complex 3 subunit beta 1; minus strand). Cytogenetic location: 5q14.1.
Variant type: single nucleotide variant.
Coding change: c.532T>C on transcript NM_003664.5 (MANE Select); coding-DNA position 532, T replaced by C.
Protein change: p.Tyr178His; replaces tyrosine 178 with histidine.
Molecular consequence: missense variant.
Genome position (GRCh38, 1-based): chr5:78,227,376, A>G on the plus strand (T>C on the coding strand, the complement: AP3B1 is on the minus strand). VCF-style: chr5-78227376-A-G. GRCh37 (hg19) VCF-style: chr5-77523200-A-G.
Other names: c.385T>C, p.Tyr129His (NM_001271769.2); short protein forms Y129H, Y178H.
Identifiers: ClinVar variation 1440726 (VCV001440726.6), dbSNP rs777268122, ClinGen allele CA3317352.